The following is an entry in ClinVar:

ClinVar aggregate classification (germline): Uncertain significance (1 of 4 stars; one submission).

Conditions:
Charcot-Marie-Tooth disease type 2R. Also called: CHARCOT-MARIE-TOOTH NEUROPATHY, TYPE 2R; Charcot-Marie-Tooth disease, axonal, type 2R; CHARCOT-MARIE-TOOTH DISEASE, AXONAL, AUTOSOMAL RECESSIVE, TYPE 2R. Identifiers: Orphanet 397968, MedGen C3809655, MONDO:0014208, OMIM 615490.

Submission:

Labcorp Genetics (formerly Invitae), Labcorp
Classification: Uncertain significance for Charcot-Marie-Tooth disease type 2R. Last evaluated: 2020-01-19. Review status: criteria provided, single submitter. Criteria: Invitae Variant Classification Sherloc (09022015). Collection method: clinical testing. Allele origin: germline.
Comment: Algorithms developed to predict the effect of missense changes on protein structure and function are either unavailable or do not agree on the potential impact of this missense change (SIFT: "Deleterious"; PolyPhen-2: "Probably Damaging"; Align-GVGD: "Class C0"). In summary, the available evidence is currently insufficient to determine the role of this variant in disease. Therefore, it has been classified as a Variant of Uncertain Significance. This variant has not been reported in the literature in individuals with TRIM2-related conditions. This sequence change replaces arginine with leucine at codon 64 of the TRIM2 protein (p.Arg64Leu). The arginine residue is highly conserved and there is a moderate physicochemical difference between arginine and leucine. This variant is not present in population databases (ExAC no frequency).

NM_015271.5(TRIM2):c.272G>T (p.Arg91Leu)

Gene: TRIM2 (tripartite motif containing 2; plus strand). Cytogenetic location: 4q31.3.
Variant type: single nucleotide variant.
Coding change: c.272G>T on transcript NM_015271.5 (MANE Select); coding-DNA position 272, G replaced by T.
Protein change: p.Arg91Leu; replaces arginine 91 with leucine.
Molecular consequence: missense variant. On other transcripts: 5 prime UTR variant (4).
Genome position (GRCh38, 1-based): chr4:153,275,949, G>T. VCF-style: chr4-153275949-G-T. GRCh37 (hg19) VCF-style: chr4-154197101-G-T.
Other names: c.191G>T, p.Arg64Leu (NM_001130067.2, NM_001351056.2, NM_001375512.1 and 5 more transcripts); c.272G>T, p.Arg91Leu (NM_001302692.2, NM_001375488.1, NM_001375490.1 and 1 more transcripts); c.269G>T, p.Arg90Leu (NM_001302693.2, NM_001375489.1, NM_001375491.1 and 1 more transcripts); c.245G>T, p.Arg82Leu (NM_001302694.2, NM_001351054.2); c.242G>T, p.Arg81Leu (NM_001351055.2); c.-286G>T (NM_001351057.2); c.-68G>T (NM_001375522.1, NM_001375523.1, NM_001375525.1); short protein forms R90L, R64L, R91L, R82L, R81L.
Identifiers: ClinVar variation 1046673 (VCV001046673.9), dbSNP rs1757929207, ClinGen allele CA358469960.